The following is an entry in ClinVar:

ClinVar aggregate classification (germline): Benign/Likely benign. Review status: criteria provided, multiple submitters, no conflicts (2 of 4 stars). 7 submissions from 7 submitters: Benign (1); Likely benign (4). 2 of the submissions do not count toward it. Last evaluated 2026-08-01.

Allele frequency attached by ClinVar (database versions not stated): 1000 Genomes Project 30x 0.00172; 1000 Genomes Project 0.00200; gnomAD 0.00222 and 0.00226; ESP Exome Variant Server 0.00238; TOPMed 0.00269.
gnomAD v4.1: 3,323 of 1,612,836 alleles (0.21%); highest among the groups gnomAD compares: Admixed American, 0.5%; 8 homozygotes.

Submissions (7):

CeGaT Center for Human Genetics Tuebingen
Classification: Likely benign. Last evaluated: 2026-08-01. Review status: criteria provided, single submitter. Criteria: CeGaT Center For Human Genetics Tuebingen Variant Classification Criteria Version 2. Collection method: clinical testing. Allele origin: germline. Affected: yes. Observed: 4 variant alleles.
Comment: SLC6A19: BP4, BS2

Labcorp Genetics (formerly Invitae), Labcorp
Classification: Benign. Last evaluated: 2026-02-02. Review status: criteria provided, single submitter. Criteria: Invitae Variant Classification Sherloc (09022015). Collection method: clinical testing. Allele origin: germline.

Mayo Clinic Laboratories, Mayo Clinic
Classification: Likely benign. Last evaluated: 2025-10-23. Review status: criteria provided, single submitter. Criteria: ACMG Guidelines, 2015. Collection method: clinical testing. Allele origin: germline. Observed: 5 variant alleles.
Comment: BS2, BP4, BP7

Blueprint Genetics
Classification: Likely benign. Last evaluated: 2024-11-26. Review status: criteria provided, single submitter. Criteria: ACMG Guidelines, 2015. Collection method: clinical testing. Allele origin: germline.

Breakthrough Genomics
Classification: Likely benign. Review status: criteria provided, single submitter. Criteria: ACMG Guidelines, 2015. Collection method: not provided. Allele origin: germline. Inheritance: Autosomal recessive inheritance. Affected: yes.

Clinical Genetics DNA and cytogenetics Diagnostics Lab, Erasmus MC, Erasmus Medical Center
Classification: Likely benign. Review status: no assertion criteria provided. Collection method: clinical testing. Allele origin: germline. Affected: yes. Study: VKGL Data-share Consensus. Not counted in ClinVar's aggregate classification.

Diagnostic Laboratory, Department of Genetics, University Medical Center Groningen
Classification: Likely benign. Review status: no assertion criteria provided. Collection method: clinical testing. Allele origin: germline. Affected: yes. Study: VKGL Data-share Consensus. Not counted in ClinVar's aggregate classification.

NM_001003841.3(SLC6A19):c.775-5C>T

Gene: SLC6A19 (solute carrier family 6 member 19; plus strand). Cytogenetic location: 5p15.33.
Variant type: single nucleotide variant.
Coding change: c.775-5C>T on transcript NM_001003841.3 (MANE Select); 5 bases into the intron before coding-DNA position 775, C replaced by T.
Molecular consequence: intron variant.
Genome position (GRCh38, 1-based): chr5:1,213,948, C>T. VCF-style: chr5-1213948-C-T. GRCh37 (hg19) VCF-style: chr5-1214063-C-T.
Other names: p.?.
Identifiers: ClinVar variation 715500 (VCV000715500.52), dbSNP rs149379208, ClinGen allele CA3182889.